The following is an entry in ClinVar:

ClinVar aggregate classification (germline): Uncertain significance. Review status: criteria provided, multiple submitters, no conflicts (2 of 4 stars). 2 submissions from 2 submitters: Uncertain significance (2). Last evaluated 2025-11-23.

Conditions:
Inborn genetic diseases. Identifiers: MedGen C0950123, MeSH D030342.

gnomAD v4.1: 103 of 1,608,912 alleles (0.0064%); highest among the groups gnomAD compares: South Asian, 0.1%; 1 homozygote.

Submissions (2):

Ambry Genetics
Classification: Uncertain significance for Inborn genetic diseases. Last evaluated: 2025-11-23. Review status: criteria provided, single submitter. Criteria: Ambry Variant Classification Scheme 2023. Collection method: clinical testing. Allele origin: germline.

Labcorp Genetics (formerly Invitae), Labcorp
Classification: Uncertain significance. Last evaluated: 2024-07-31. Review status: criteria provided, single submitter. Criteria: Invitae Variant Classification Sherloc (09022015). Collection method: clinical testing. Allele origin: germline.
Comment: This sequence change replaces glutamic acid, which is acidic and polar, with lysine, which is basic and polar, at codon 625 of the MPDZ protein (p.Glu625Lys). This variant is present in population databases (rs534459463, gnomAD 0.1%). This variant has not been reported in the literature in individuals affected with MPDZ-related conditions. An algorithm developed to predict the effect of missense changes on protein structure and function outputs the following: PolyPhen-2: "Benign". The lysine amino acid residue is found in multiple mammalian species, which suggests that this missense change does not adversely affect protein function. In summary, the available evidence is currently insufficient to determine the role of this variant in disease. Therefore, it has been classified as a Variant of Uncertain Significance.

NM_001378778.1(MPDZ):c.1873G>A (p.Glu625Lys)

Gene: MPDZ (multiple PDZ domain crumbs cell polarity complex component; minus strand). Cytogenetic location: 9p23.
Variant type: single nucleotide variant.
Coding change: c.1873G>A on transcript NM_001378778.1 (MANE Select); coding-DNA position 1873, G replaced by A.
Protein change: p.Glu625Lys; replaces glutamic acid 625 with lysine.
Molecular consequence: missense variant.
Genome position (GRCh38, 1-based): chr9:13,192,226, C>T on the plus strand (G>A on the coding strand, the complement: MPDZ is on the minus strand). VCF-style: chr9-13192226-C-T. GRCh37 (hg19) VCF-style: chr9-13192225-C-T.
Other names: c.1873G>A, p.Glu625Lys (NM_001261406.2, NM_001375416.1, NM_001375417.1 and 14 more transcripts); c.1873G>A (NM_003829.3); short protein forms E625K.
Identifiers: ClinVar variation 3714204 (VCV003714204.3).